The following is an entry in ClinVar:

ClinVar aggregate classification (germline): Uncertain significance (1 of 4 stars; one submission).

Conditions:
Dejerine-Sottas disease. Also called: DEJERINE-SOTTAS NEUROPATHY; HEREDITARY MOTOR AND SENSORY NEUROPATHY TYPE III; HMSN Type III; Charcot-Marie-Tooth disease type 3; Hereditary motor and sensory neuropathy 3. Identifiers: Orphanet 64748, MedGen C0011195, MONDO:0007790, OMIM 145900.

Submission:

Pangenia Genomics, Pangenia Inc.
Classification: Uncertain significance for Dejerine-Sottas disease. Last evaluated: 2022-10-17. Review status: criteria provided, single submitter. Criteria: ACMG Guidelines, 2015. Collection method: research. Allele origin: unknown. Affected: yes. Observed: 1 heterozygote.
Comment: This variant is absent from the gnomAD v2.1.1 dataset with good coverage of the locus. This variant is an in-frame deletion that changes the length of the protein in a non-repeat region.

NM_000304.4(PMP22):c.418_438del (p.Trp140_Ala146del)

Gene: PMP22 (peripheral myelin protein 22; minus strand). Cytogenetic location: 17p12.
Variant type: Deletion.
Coding change: c.418_438del on transcript NM_000304.4 (MANE Select); coding-DNA positions 418 to 438, 21 bases deleted (TGGGTGGCCTTCCCCCTGGCC).
Protein change: p.Trp140_Ala146del.
Molecular consequence: inframe deletion. On other transcripts: non-coding transcript variant (2).
Genome position (GRCh38, 1-based): chr17:15,230,962-15,230,982, GGCCAGGGGGAAGGCCACCCA deleted on the plus strand (TGGGTGGCCTTCCCCCTGGCC on the coding strand, the reverse complement: PMP22 is on the minus strand); deleting any 21 consecutive bases within chr17:15,230,962-15,230,989 gives the same sequence; the c. name uses the placement nearest the transcript's 3' end. VCF-style (leftmost placement, unchanged base first): chr17-15230961-GGGCCAGGGGGAAGGCCACCCA-G. GRCh37 (hg19) VCF-style: chr17-15134278-GGGCCAGGGGGAAGGCCACCCA-G.
Other names: c.418_438del, p.Trp140_Ala146del (NM_001281455.2, NM_001281456.2, NM_153321.3 and 1 more transcripts).
Identifiers: ClinVar variation 2500122 (VCV002500122.1), dbSNP rs2150664583, ClinGen allele CA2573054328.